The following is an entry in ClinVar:

ClinVar aggregate classification (germline): Uncertain significance (1 of 4 stars; one submission).

Allele frequency attached by ClinVar (database versions not stated): gnomAD exomes 0.00001; TOPMed 0.00001.

Submissions (2):

Labcorp Genetics (formerly Invitae), Labcorp
Classification: Uncertain significance. Last evaluated: 2022-10-12. Review status: criteria provided, single submitter. Criteria: Invitae Variant Classification Sherloc (09022015). Collection method: clinical testing. Allele origin: germline.
Comment: This sequence change affects codon 469 of the STAG2 mRNA. It is a 'silent' change, meaning that it does not change the encoded amino acid sequence of the STAG2 protein. This variant is present in population databases (no rsID available, gnomAD 0.001%). This variant has not been reported in the literature in individuals affected with STAG2-related conditions. Algorithms developed to predict the effect of sequence changes on RNA splicing suggest that this variant may disrupt the consensus splice site. In summary, the available evidence is currently insufficient to determine the role of this variant in disease. Therefore, it has been classified as a Variant of Uncertain Significance.

Dr. Peter K. Rogan Lab, Western University
No classification provided (evidence only). Condition: Nonpapillary renal cell carcinoma. Review status: no classification provided. Collection method: in vitro. Allele origin: not applicable. Functional consequence: retained intron. Not counted in ClinVar's aggregate classification.

NM_001042750.2(STAG2):c.1407A>G (p.Leu469=)

Gene: STAG2 (STAG2 cohesin complex component; plus strand). Cytogenetic location: Xq25.
Variant type: single nucleotide variant.
Coding change: c.1407A>G on transcript NM_001042750.2 (MANE Select); coding-DNA position 1407, A replaced by G.
Protein change: p.Leu469=; no amino-acid change (leucine 469 retained).
Molecular consequence: synonymous variant.
Genome position (GRCh38, 1-based): chrX:124,057,968, A>G. VCF-style: chrX-124057968-A-G. GRCh37 (hg19) VCF-style: chrX-123191818-A-G.
Other names: c.1407A>G, p.Leu469= (NM_001042749.2, NM_001042751.2, NM_001282418.2 and 13 more transcripts).
Identifiers: ClinVar variation 2057950 (VCV002057950.5), dbSNP rs894513698, ClinGen allele CA335278987.